The following is an entry in ClinVar:

NM_004984.4(KIF5A):c.444T>C (p.Asp148=)

Gene: KIF5A (kinesin family member 5A; plus strand). Cytogenetic location: 12q13.3.
Variant type: single nucleotide variant.
Coding change: c.444T>C on transcript NM_004984.4 (MANE Select); coding-DNA position 444, T replaced by C.
Protein change: p.Asp148=; no amino-acid change (aspartic acid 148 retained).
Molecular consequence: synonymous variant.
Genome position (GRCh38, 1-based): chr12:57,564,507, T>C. VCF-style: chr12-57564507-T-C. GRCh37 (hg19) VCF-style: chr12-57958290-T-C.
Other names: c.177T>C, p.Asp59= (NM_001354705.2).
Identifiers: ClinVar variation 3661103 (VCV003661103.2).

ClinVar aggregate classification (germline): Uncertain significance (1 of 4 stars; one submission).

Conditions:
Spastic paraplegia. Identifiers: MedGen C0037772, HP:0001258.

Submission:

Labcorp Genetics (formerly Invitae), Labcorp
Classification: Uncertain significance for Spastic paraplegia. Last evaluated: 2024-08-01. Review status: criteria provided, single submitter. Criteria: Invitae Variant Classification Sherloc (09022015). Collection method: clinical testing. Allele origin: germline.
Comment: This sequence change affects codon 148 of the KIF5A mRNA. It is a 'silent' change, meaning that it does not change the encoded amino acid sequence of the KIF5A protein. It affects a nucleotide within the consensus splice site. This variant is not present in population databases (gnomAD no frequency). This variant has not been reported in the literature in individuals affected with KIF5A-related conditions. Algorithms developed to predict the effect of sequence changes on RNA splicing suggest that this variant is not likely to affect RNA splicing. In summary, the available evidence is currently insufficient to determine the role of this variant in disease. Therefore, it has been classified as a Variant of Uncertain Significance.